The following is an entry in ClinVar:

ClinVar aggregate classification (germline): Uncertain significance. Review status: criteria provided, multiple submitters, no conflicts (2 of 4 stars). 2 submissions from 2 submitters: Uncertain significance (2). Last evaluated 2025-01-17.

Conditions:
Inborn genetic diseases. Identifiers: MedGen C0950123, MeSH D030342.
Pigmentary pallidal degeneration (NBIA1). Also called: Neurodegeneration with brain iron accumulation 1; PKAN NEUROAXONAL DYSTROPHY, JUVENILE-ONSET; HARP SYNDROME; Pantothenate Kinase-Associated Neurodegeneration; Neuroaxonal dystrophy, late infantile; Hallervorden-Spatz disease. Identifiers: Orphanet 157850, MedGen C0018523, MONDO:0009319, OMIM 234200.

Allele frequency attached by ClinVar (database versions not stated): gnomAD exomes below 0.00001 and 0.00001; gnomAD 0.00001; TOPMed below 0.00001.
gnomAD v4.1: 3 of 1,586,462 alleles (0.00019%); highest among the groups gnomAD compares: South Asian, 0.0011%; no homozygotes.

Submissions (2):

Ambry Genetics
Classification: Uncertain significance for Inborn genetic diseases. Last evaluated: 2025-01-17. Review status: criteria provided, single submitter. Criteria: Ambry Variant Classification Scheme 2023. Collection method: clinical testing. Allele origin: germline.

Labcorp Genetics (formerly Invitae), Labcorp
Classification: Uncertain significance for Pigmentary pallidal degeneration. Last evaluated: 2021-12-03. Review status: criteria provided, single submitter. Criteria: Invitae Variant Classification Sherloc (09022015). Collection method: clinical testing. Allele origin: germline.
Comment: The frequency data for this variant in the population databases is considered unreliable, as metrics indicate poor data quality at this position in the gnomAD database. This variant has not been reported in the literature in individuals affected with PANK2-related conditions. Algorithms developed to predict the effect of missense changes on protein structure and function output the following: SIFT: "Tolerated"; PolyPhen-2: "Benign"; Align-GVGD: "Class C0". The histidine amino acid residue is found in multiple mammalian species, which suggests that this missense change does not adversely affect protein function. In summary, the available evidence is currently insufficient to determine the role of this variant in disease. Therefore, it has been classified as a Variant of Uncertain Significance. This sequence change replaces arginine, which is basic and polar, with histidine, which is basic and polar, at codon 82 of the PANK2 protein (p.Arg82His).

NM_153638.4(PANK2):c.245G>A (p.Arg82His)

Genes: PANK2 (pantothenate kinase 2; plus strand), LOC130065345 (ATAC-STARR-seq lymphoblastoid silent region 12635; plus strand). Cytogenetic location: 20p13.
Variant type: single nucleotide variant.
Coding change: c.245G>A on transcript NM_153638.4; coding-DNA position 245, G replaced by A.
Protein change: p.Arg82His; replaces arginine 82 with histidine.
Molecular consequence: missense variant. On other transcripts: intron variant (1).
Genome position (GRCh38, 1-based): chr20:3,889,345, G>A. VCF-style: chr20-3889345-G-A. GRCh37 (hg19) VCF-style: chr20-3869992-G-A.
Other names: c.245G>A, p.Arg82His (NM_001324192.1); c.-246+441G>A (NM_024960.6); short protein forms R82H.
Identifiers: ClinVar variation 1435724 (VCV001435724.8), dbSNP rs995058151, ClinGen allele CA408140101.